The following is an entry in ClinVar:

ClinVar aggregate classification (germline): Pathogenic (1 of 4 stars; one submission).

Submission:

Baylor Genetics
Classification: Pathogenic. Last evaluated: 2018-11-01. Review status: criteria provided, single submitter. Criteria: ACMG CNV Guidelines, 2011. Collection method: clinical testing. Allele origin: de novo. Affected: yes. Observed: 1 variant allele.
Comment: Duplications involving this region have been previously reported in patients with developmental delay (PMID: 16879197)

GRCh37/hg19 Yp11.32-q11.221(chrY:1640371-19565713)

Genes: AMELY (amelogenin Y-linked; minus strand), DDX3Y (DEAD-box helicase 3 Y-linked; plus strand), FAM197Y1P (family with sequence similarity 197 Y-linked member 1, pseudogene), FAM197Y9 (family with sequence similarity 197 Y-linked member 9; minus strand), NLGN4Y (neuroligin 4 Y-linked; plus strand) and 38 more. Cytogenetic location: Yp11.32-q11.221.
Variant type: copy number gain.
Identifiers: ClinVar variation 625648 (VCV000625648.1).